The following is an entry in ClinVar:

NM_017780.4(CHD7):c.4394G>A (p.Arg1465Gln)

Gene: CHD7 (chromodomain helicase DNA binding protein 7; plus strand). Cytogenetic location: 8q12.2.
Variant type: single nucleotide variant.
Coding change: c.4394G>A on transcript NM_017780.4 (MANE Select); coding-DNA position 4394, G replaced by A.
Protein change: p.Arg1465Gln; replaces arginine 1465 with glutamine.
Molecular consequence: missense variant. On other transcripts: intron variant (1).
Genome position (GRCh38, 1-based): chr8:60,838,116, G>A. VCF-style: chr8-60838116-G-A. GRCh37 (hg19) VCF-style: chr8-61750675-G-A.
Other names: c.4394G>A (NM_017780.3); c.1717-24113G>A (NM_001316690.1); short protein forms R1465Q.
Identifiers: ClinVar variation 2759675 (VCV002759675.6), dbSNP rs373095697, ClinGen allele CA177348658.
Genomic context (GRCh38, chr8:60,838,116, plus strand): 5'-TAAATATTTCTCTAAAACAGGTACAACAGCTTTCCAAGAAAGAAATAGAGGATCTTCTAC[G>A]AAAAGGGGCCTATGGTGCACTCATGGATGAGGAGGATGAAGGGTCTAAATTCTGTGAAGA-3'
Protein context (NP_060250.2, residues 1455-1475): LSKKEIEDLL[Arg1465Gln]KGAYGALMDE

ClinVar aggregate classification (germline): Conflicting classifications of pathogenicity. Review status: criteria provided, conflicting classifications (1 of 4 stars). 4 submissions from 4 submitters: Uncertain significance (3); Likely benign (1). Last evaluated 2025-09-01.

Conditions:
CHD7-related disorder. Also called: CHD7-related condition.
Inborn genetic diseases. Identifiers: MedGen C0950123, MeSH D030342.
CHARGE syndrome (CHARGE). Also called: Hittner Hirsch Kreh syndrome; CHARGE ASSOCIATION--COLOBOMA, HEART ANOMALY, CHOANAL ATRESIA, RETARDATION, GENITAL AND EAR ANOMALIES; Coloboma, heart anomaly, choanal atresia, retardation, genital and ear anomalies; CHARGE association; Hall-Hittner syndrome. Identifiers: Orphanet 138, MedGen C0265354, MONDO:0008965.

Allele frequency attached by ClinVar (database versions not stated): gnomAD exomes below 0.00001; TOPMed 0.00003; gnomAD 0.00004; ESP Exome Variant Server 0.00008.
gnomAD v4.1: 13 of 1,534,660 alleles (0.00085%); highest among the groups gnomAD compares: Non-Finnish European, 0.00044%; no homozygotes.

Submissions (4):

Ambry Genetics
Classification: Uncertain significance for Inborn genetic diseases. Last evaluated: 2025-09-01. Review status: criteria provided, single submitter. Criteria: Ambry Variant Classification Scheme 2023. Collection method: clinical testing. Allele origin: germline.

PreventionGenetics, part of Exact Sciences
Classification: Uncertain significance for CHD7-related condition. Last evaluated: 2024-12-09. Review status: criteria provided, single submitter. Criteria: ACMG Guidelines, 2015. Collection method: clinical testing. Allele origin: germline.
Comment: The CHD7 c.4394G>A variant is predicted to result in the amino acid substitution p.Arg1465Gln. To our knowledge, this variant has not been reported in the literature. This variant is reported in 0.0026% of alleles in individuals of European (Non-Finnish) descent in gnomAD. At this time, the clinical significance of this variant is uncertain due to the absence of conclusive functional and genetic evidence.

Blueprint Genetics
Classification: Uncertain significance. Last evaluated: 2024-07-25. Review status: criteria provided, single submitter. Criteria: ACMG Guidelines, 2015. Collection method: clinical testing. Allele origin: germline.

Labcorp Genetics (formerly Invitae), Labcorp
Classification: Likely benign for CHARGE syndrome. Last evaluated: 2023-06-15. Review status: criteria provided, single submitter. Criteria: Invitae Variant Classification Sherloc (09022015). Collection method: clinical testing. Allele origin: germline.